The following is an entry in ClinVar:

NM_020381.4(PDSS2):c.874A>G (p.Lys292Glu)

Gene: PDSS2 (decaprenyl diphosphate synthase subunit 2; minus strand). Cytogenetic location: 6q21.
Variant type: single nucleotide variant.
Coding change: c.874A>G on transcript NM_020381.4 (MANE Select); coding-DNA position 874, A replaced by G.
Protein change: p.Lys292Glu; replaces lysine 292 with glutamic acid.
Molecular consequence: missense variant.
Genome position (GRCh38, 1-based): chr6:107,212,111, T>C on the plus strand (A>G on the coding strand, the complement: PDSS2 is on the minus strand). VCF-style: chr6-107212111-T-C. GRCh37 (hg19) VCF-style: chr6-107533315-T-C.
Other names: short protein forms K292E.
Identifiers: ClinVar variation 214995 (VCV000214995.2), dbSNP rs863224167, ClinGen allele CA320678.

ClinVar aggregate classification (germline): Likely pathogenic (1 of 4 stars; one submission).

Submission:

GeneDx
Classification: Likely pathogenic. Last evaluated: 2014-11-24. Review status: criteria provided, single submitter. Criteria: GeneDx Variant Classification (06012015). Collection method: clinical testing. Allele origin: germline. Affected: yes.
Comment: p.Lys292Glu (AAG>GAG): c.874 A>G in exon 5 of the PDSS2 gene (NM_020381.3). The K292E variant that is likely pathogenic was identified in the PDSS2 gene. It has not been published as a mutation, nor has it been reported as a benign polymorphism to our knowledge. The K292E variant is a non-conservative amino acid substitution, which is likely to impact secondary protein structure as these residues differ in polarity, charge, size and/or other properties. This substitution occurs at a position that is conserved across species and most in silico predictors predict this variant is probably damaging to the protein structure/function. Therefore, this variant is a strong candidate for a pathogenic mutation, however the possibility that it is a benign variant cannot be excluded. The variant is found in COQ10-MITOP panel(s).